The following is an entry in ClinVar:

ClinVar aggregate classification (germline): Uncertain significance (1 of 4 stars; one submission).

Submission:

Labcorp Genetics (formerly Invitae), Labcorp
Classification: Uncertain significance. Last evaluated: 2022-08-22. Review status: criteria provided, single submitter. Criteria: Invitae Variant Classification Sherloc (09022015). Collection method: clinical testing. Allele origin: germline.
Comment: This variant is not present in population databases (gnomAD no frequency). In summary, the available evidence is currently insufficient to determine the role of this variant in disease. Therefore, it has been classified as a Variant of Uncertain Significance. Advanced modeling of protein sequence and biophysical properties (such as structural, functional, and spatial information, amino acid conservation, physicochemical variation, residue mobility, and thermodynamic stability) performed at Invitae indicates that this missense variant is not expected to disrupt KMT2A protein function. This variant has not been reported in the literature in individuals affected with KMT2A-related conditions. This sequence change replaces arginine, which is basic and polar, with glycine, which is neutral and non-polar, at codon 503 of the KMT2A protein (p.Arg503Gly).

NM_001197104.2(KMT2A):c.1507C>G (p.Arg503Gly)

Gene: KMT2A (lysine methyltransferase 2A; plus strand). Cytogenetic location: 11q23.3.
Variant type: single nucleotide variant.
Coding change: c.1507C>G on transcript NM_001197104.2 (MANE Select); coding-DNA position 1507, C replaced by G.
Protein change: p.Arg503Gly; replaces arginine 503 with glycine.
Molecular consequence: missense variant.
Genome position (GRCh38, 1-based): chr11:118,472,666, C>G. VCF-style: chr11-118472666-C-G. GRCh37 (hg19) VCF-style: chr11-118343381-C-G.
Other names: c.1606C>G, p.Arg536Gly (NM_001412597.1); c.1507C>G, p.Arg503Gly (NM_005933.4); short protein forms R503G, R536G.
Identifiers: ClinVar variation 1717727 (VCV001717727.5), dbSNP rs1949963276, ClinGen allele CA382810259.